The following is an entry in ClinVar:

ClinVar aggregate classification (germline): Uncertain significance (1 of 4 stars; one submission).

Submission:

GeneDx
Classification: Uncertain significance. Last evaluated: 2025-06-27. Review status: criteria provided, single submitter. Criteria: GeneDx Variant Classification Process June 2021. Collection method: clinical testing. Allele origin: germline. Affected: yes.
Comment: Not observed at significant frequency in large population cohorts (gnomAD); In silico analysis suggests that this missense variant does not alter protein structure/function; Has not been previously published as pathogenic or benign to our knowledge

NM_001195263.2(PDZD7):c.3029C>T (p.Thr1010Ile)

Gene: PDZD7 (PDZ domain containing 7; minus strand). Cytogenetic location: 10q24.31.
Variant type: single nucleotide variant.
Coding change: c.3029C>T on transcript NM_001195263.2 (MANE Select); coding-DNA position 3029, C replaced by T.
Protein change: p.Thr1010Ile; replaces threonine 1010 with isoleucine.
Molecular consequence: missense variant.
Genome position (GRCh38, 1-based): chr10:101,008,540, G>A on the plus strand (C>T on the coding strand, the complement: PDZD7 is on the minus strand). VCF-style: chr10-101008540-G-A. GRCh37 (hg19) VCF-style: chr10-102768297-G-A.
Other names: c.3026C>T, p.Thr1009Ile (NM_001437429.1); short protein forms T1009I, T1010I.
Identifiers: ClinVar variation 4540147 (VCV004540147.1).